The following is an entry in ClinVar:

NM_005909.5(MAP1B):c.3166G>A (p.Gly1056Ser)

Gene: MAP1B (microtubule associated protein 1B; plus strand). Cytogenetic location: 5q13.2.
Variant type: single nucleotide variant.
Coding change: c.3166G>A on transcript NM_005909.5 (MANE Select); coding-DNA position 3166, G replaced by A.
Protein change: p.Gly1056Ser; replaces glycine 1056 with serine.
Molecular consequence: missense variant.
Genome position (GRCh38, 1-based): chr5:72,196,521, G>A. VCF-style: chr5-72196521-G-A. GRCh37 (hg19) VCF-style: chr5-71492348-G-A.
Other names: c.2788G>A, p.Gly930Ser (NM_001324255.2); c.3166G>A (NM_005909.4); short protein forms G930S, G1056S.
Identifiers: ClinVar variation 3122704 (VCV003122704.2), dbSNP rs576682869, ClinGen allele CA3298950.
Genomic context (GRCh38, chr5:72,196,521, plus strand): 5'-CCGGAAAAAATGGAAGCTGAAGACTATGTGATGGCTGTGGTCGACAAGGCTGCAGAGGCT[G>A]GTGGTGCCGAGGAGCAGTATGGATTCCTCACCACACCAACCAAGCAACTAGGAGCCCAGT-3'
Protein context (NP_005900.2, residues 1046-1066): MAVVDKAAEA[Gly1056Ser]GAEEQYGFLT

ClinVar aggregate classification (germline): Likely benign. Review status: criteria provided, multiple submitters, no conflicts (2 of 4 stars). 2 submissions from 2 submitters: Likely benign (2). Last evaluated 2025-06-26.

Conditions:
Inborn genetic diseases. Identifiers: MedGen C0950123, MeSH D030342.
MAP1B-related disorder. Also called: MAP1B-related condition.

Allele frequency attached by ClinVar (database versions not stated): gnomAD exomes 0.00001; ExAC 0.00002; gnomAD 0.00003; TOPMed 0.00003.
gnomAD v4.1: 20 of 1,613,814 alleles (0.0012%); highest among the groups gnomAD compares: East Asian, 0.036%; no homozygotes.

Submissions (2):

PreventionGenetics, part of Exact Sciences
Classification: Likely benign for MAP1B-related condition. Last evaluated: 2025-06-26. Review status: criteria provided, single submitter. Criteria: ACMG Guidelines, 2015. Collection method: clinical testing. Allele origin: germline.
Comment: This variant is classified as likely benign based on ACMG/AMP sequence variant interpretation guidelines (Richards et al. 2015 PMID: 25741868, with internal and published modifications).

Ambry Genetics
Classification: Likely benign for Inborn genetic diseases. Last evaluated: 2024-01-04. Review status: criteria provided, single submitter. Criteria: Ambry Variant Classification Scheme 2023. Collection method: clinical testing. Allele origin: germline.